The following is an entry in ClinVar:

ClinVar aggregate classification (germline): Uncertain significance (1 of 4 stars; one submission).

Conditions:
Retinitis pigmentosa (RP). Identifiers: Orphanet 791, MedGen C0035334, MeSH D012174, MONDO:0019200, OMIM 268000. Inheritance: Autosomal dominant, autosomal recessive and X linked inheritance.

gnomAD v4.1: 3 of 1,613,568 alleles (0.00019%); no homozygotes.

Submission:

Lab De Baere, Eye and Developmental Genetics Lab, Ghent University
Classification: Uncertain significance for Retinitis pigmentosa. Last evaluated: 2024-10-01. Review status: criteria provided, single submitter. Criteria: ACMG Guidelines, 2015. Collection method: research. Allele origin: inherited. Affected: yes. Observed: 1 variant allele.
Comment: ACMG/AMP guidelines: PM2, PP3

NM_001563.4(IMPG1):c.1135+5G>A

Gene: IMPG1 (interphotoreceptor matrix proteoglycan 1; minus strand). Cytogenetic location: 6q14.1.
Variant type: single nucleotide variant.
Coding change: c.1135+5G>A on transcript NM_001563.4 (MANE Select); 5 bases into the intron after coding-DNA position 1135, G replaced by A.
Molecular consequence: intron variant.
Genome position (GRCh38, 1-based): chr6:76,005,282, C>T on the plus strand (G>A on the coding strand, the complement: IMPG1 is on the minus strand). VCF-style: chr6-76005282-C-T. GRCh37 (hg19) VCF-style: chr6-76714999-C-T.
Other names: c.901+5G>A (NM_001282368.2).
Identifiers: ClinVar variation 3544445 (VCV003544445.1).